The following is an entry in ClinVar:

ClinVar aggregate classification (germline): Benign/Likely benign. Review status: criteria provided, multiple submitters, no conflicts (2 of 4 stars). 4 submissions from 2 submitters: Benign (3); Likely benign (1). Last evaluated 2018-01-13.

Conditions:
Paroxysmal extreme pain disorder (PEXPD). Also called: PAIN, SUBMANDIBULAR, OCULAR, AND RECTAL, WITH FLUSHING; RECTAL PAIN, FAMILIAL; SCN9A Paroxysmal Extreme Pain Disorder (SCN9A-PEPD). Identifiers: Orphanet 46348, MedGen C1833661, MONDO:0008179, OMIM 167400.
Channelopathy-associated congenital insensitivity to pain, autosomal recessive. Also called: Insensitivity to pain, channelopathy-associated; ASYMBOLIA FOR PAIN; CONGENITAL ANALGESIA, AUTOSOMAL RECESSIVE. Identifiers: Orphanet 88642, Orphanet 970, MedGen C1855739, MONDO:0009459, OMIM 243000.
Primary erythromelalgia. Also called: SCN9A Erythromelalgia (SCN9A-EM); primary erythermalgia. Identifiers: Orphanet 306577, Orphanet 90026, MedGen C0014805, MONDO:0007571, OMIM 133020.

Allele frequency attached by ClinVar (database versions not stated): gnomAD exomes 0.00145; gnomAD 0.01149 and 0.01227; 1000 Genomes Project 0.01158; 1000 Genomes Project 30x 0.01265; TOPMed 0.01322.
gnomAD v4.1: 2,345 of 540,702 alleles (0.43%); highest among the groups gnomAD compares: African/African-American, 3.7%; 46 homozygotes.

Submissions (4):

Illumina Laboratory Services, Illumina
Classification: Benign for Paroxysmal extreme pain disorder. Last evaluated: 2018-01-13. Review status: criteria provided, single submitter. Criteria: ICSL Variant Classification Criteria 13 December 2019. Collection method: clinical testing. Allele origin: germline.
Comment: This variant was observed in the ICSL laboratory as part of a predisposition screen in an ostensibly healthy population. It had not been previously curated by ICSL or reported in the Human Gene Mutation Database (HGMD: prior to June 1st, 2018), and was therefore a candidate for classification through an automated scoring system. Utilizing variant allele frequency, disease prevalence and penetrance estimates, and inheritance mode, an automated score was calculated to assess if this variant is too frequent to cause the disease. Based on the score and internal cut-off values, a variant classified as benign is not then subjected to further curation. The score for this variant resulted in a classification of benign for this disease.

Illumina Laboratory Services, Illumina
Classification: Benign for Primary erythromelalgia. Last evaluated: 2018-01-13. Review status: criteria provided, single submitter. Criteria: ICSL Variant Classification Criteria 13 December 2019. Collection method: clinical testing. Allele origin: germline.
Comment: the same text as in the submission from Illumina Laboratory Services, Illumina above.

Illumina Laboratory Services, Illumina
Classification: Benign for Channelopathy-associated congenital insensitivity to pain, autosomal recessive. Last evaluated: 2018-01-13. Review status: criteria provided, single submitter. Criteria: ICSL Variant Classification Criteria 13 December 2019. Collection method: clinical testing. Allele origin: germline.
Comment: the same text as in the submission from Illumina Laboratory Services, Illumina above.

Breakthrough Genomics
Classification: Likely benign. Review status: criteria provided, single submitter. Criteria: ACMG Guidelines, 2015. Collection method: not provided. Allele origin: germline. Inheritance: Autosomal recessive inheritance. Affected: yes.

NM_001365536.1(SCN9A):c.*204G>A

Genes: SCN1A-AS1 (SCN1A and SCN9A antisense RNA 1; plus strand), SCN9A (sodium voltage-gated channel alpha subunit 9; minus strand). Cytogenetic location: 2q24.3.
Variant type: single nucleotide variant.
Coding change: c.*204G>A on transcript NM_001365536.1 (MANE Select); 204 bases downstream of the stop codon, G replaced by A.
Molecular consequence: 3 prime UTR variant.
Genome position (GRCh38, 1-based): chr2:166,198,468, C>T on the plus strand (G>A on the coding strand, the complement: SCN9A is on the minus strand). VCF-style: chr2-166198468-C-T. GRCh37 (hg19) VCF-style: chr2-167054978-C-T.
Other names: c.*204G>A (NM_002977.4).
Identifiers: ClinVar variation 331955 (VCV000331955.7), dbSNP rs111510277, ClinGen allele CA10611628.